The following is an entry in ClinVar:

NM_007118.4(TRIO):c.8020-10T>G

Genes: TRIO (trio Rho guanine nucleotide exchange factor; plus strand), LOC126807323 (CDK7 strongly-dependent group 2 enhancer GRCh37_chr5:14497716-14498915; plus strand). Cytogenetic location: 5p15.2.
Variant type: single nucleotide variant.
Coding change: c.8020-10T>G on transcript NM_007118.4 (MANE Select); 10 bases into the intron before coding-DNA position 8020, T replaced by G.
Molecular consequence: intron variant.
Genome position (GRCh38, 1-based): chr5:14,497,837, T>G. VCF-style: chr5-14497837-T-G. GRCh37 (hg19) VCF-style: chr5-14497946-T-G.
Identifiers: ClinVar variation 4529569 (VCV004529569.1).
Genomic context (GRCh38, chr5:14,497,837, plus strand): 5'-CCTGGAATGAAAGGAATACACCTTAAAGTAGCTCATTTCAGTTAATGCTTGTTTGCTGTT[T>G]CCATTTCAGCTTCTCAATCCCAACTACATTTATGACGGTGAGTTCTGTTCTTTTTCTTCT-3'

ClinVar aggregate classification (germline): Uncertain significance (1 of 4 stars; one submission).

gnomAD v4.1: 2 of 1,614,094 alleles (0.00012%); highest among the groups gnomAD compares: Non-Finnish European, 0.00017%; no homozygotes.

Submission:

GeneDx
Classification: Uncertain significance. Last evaluated: 2025-05-14. Review status: criteria provided, single submitter. Criteria: GeneDx Variant Classification Process June 2021. Collection method: clinical testing. Allele origin: germline. Affected: yes.
Comment: Has not been previously published as pathogenic or benign to our knowledge; In silico analysis is inconclusive as to whether the variant alters gene splicing. In the absence of RNA/functional studies, the actual effect of this sequence change is unknown.